The following is an entry in ClinVar:

ClinVar aggregate classification (germline): Uncertain significance. Review status: criteria provided, multiple submitters, no conflicts (2 of 4 stars). 4 submissions from 4 submitters: Uncertain significance (4). Last evaluated 2026-05-11.

Conditions:
ABCA4-related disorder. Also called: ABCA4-related disorders; ABCA4-related condition. Identifiers: MedGen CN239167.

Allele frequency attached by ClinVar (database versions not stated): TOPMed 0.00002; 1000 Genomes Project 30x 0.00016; gnomAD exomes 0.00016 and 0.00049; 1000 Genomes Project 0.00020; gnomAD 0.00025 and 0.00029; ExAC 0.00051.
gnomAD v4.1: 291 of 1,614,124 alleles (0.018%); highest among the groups gnomAD compares: Middle Eastern, 0.049%; no homozygotes.

Submissions (4):

PreventionGenetics, part of Exact Sciences
Classification: Uncertain significance for ABCA4-related condition. Last evaluated: 2026-05-11. Review status: criteria provided, single submitter. Criteria: ACMG Guidelines, 2015. Collection method: clinical testing. Allele origin: germline.
Comment: The ABCA4 c.5692C>T variant is predicted to result in the amino acid substitution p.Arg1898Cys. This variant has been reported along with a second ABCA4 variant in individuals with Stargardt disease (Table S2 in Zaneveld et al. 2015. PubMed ID: 25474345; Supplement in Zanolli et al. 2020. PubMed ID: 32141364). A functional study using protein expression in cell culture found that the p.Arg1898Cys substitution causes a mild decrease in protein solubility and activity (Garces et al. 2020. PubMed ID: 33375396). This variant is reported in 0.35% of alleles in individuals of European (Finnish) descent in gnomAD, which is more common than expected for a pathogenic variant. An alternate substitution of this amino acid (p.Arg1898His) has been reported many times in individuals with Stargardt disease and/or age-related macular degeneration (see for examples Rivera et al. 2000. PubMed ID: 10958763; Scholl et al. 2002. PubMed ID: 11923272; Fujinami et al. 2013. PubMed ID: 23953153); however, this variant is also relatively common, being reported in 0.25% of alleles in individuals of European (Non-Finnish) descent in gnomAD. Although we suspect that c.5692C>T (p.Arg1898Cys) may be pathogenic, at this time, the clinical significance of this variant is uncertain due to the conflicting functional and genetic evidence.

Blueprint Genetics
Classification: Uncertain significance. Last evaluated: 2024-07-16. Review status: criteria provided, single submitter. Criteria: ACMG Guidelines, 2015. Collection method: clinical testing. Allele origin: germline.

Labcorp Genetics (formerly Invitae), Labcorp
Classification: Uncertain significance. Last evaluated: 2022-08-10. Review status: criteria provided, single submitter. Criteria: Invitae Variant Classification Sherloc (09022015). Collection method: clinical testing. Allele origin: germline.
Comment: This sequence change replaces arginine, which is basic and polar, with cysteine, which is neutral and slightly polar, at codon 1898 of the ABCA4 protein (p.Arg1898Cys). This variant is present in population databases (rs201357151, gnomAD 0.4%). This missense change has been observed in individual(s) with Stargardt disease (PMID: 25474345). ClinVar contains an entry for this variant (Variation ID: 1013243). Advanced modeling of protein sequence and biophysical properties (such as structural, functional, and spatial information, amino acid conservation, physicochemical variation, residue mobility, and thermodynamic stability) performed at Invitae indicates that this missense variant is not expected to disrupt ABCA4 protein function. Experimental studies have shown that this missense change does not substantially affect ABCA4 function (PMID: 33375396). In summary, the available evidence is currently insufficient to determine the role of this variant in disease. Therefore, it has been classified as a Variant of Uncertain Significance.

CeGaT Center for Human Genetics Tuebingen
Classification: Uncertain significance. Last evaluated: 2020-11-01. Review status: criteria provided, single submitter. Criteria: CeGaT Center For Human Genetics Tuebingen Variant Classification Criteria Version 2. Collection method: clinical testing. Allele origin: germline. Affected: yes. Observed: 1 variant allele.

Literature cited by the submitters: PubMed 25474345 (cited by Labcorp Genetics (formerly Invitae), Labcorp); PubMed 33375396 (cited by Labcorp Genetics (formerly Invitae), Labcorp).

NM_000350.3(ABCA4):c.5692C>T (p.Arg1898Cys)

Gene: ABCA4 (ATP binding cassette subfamily A member 4; minus strand). Cytogenetic location: 1p22.1.
Variant type: single nucleotide variant.
Coding change: c.5692C>T on transcript NM_000350.3 (MANE Select); coding-DNA position 5692, C replaced by T.
Protein change: p.Arg1898Cys; replaces arginine 1898 with cysteine.
Molecular consequence: missense variant.
Genome position (GRCh38, 1-based): chr1:94,010,822, G>A on the plus strand (C>T on the coding strand, the complement: ABCA4 is on the minus strand). VCF-style: chr1-94010822-G-A. GRCh37 (hg19) VCF-style: chr1-94476378-G-A.
Other names: c.5470C>T, p.Arg1824Cys (NM_001425324.1); short protein forms R1898C, R1824C.
Identifiers: ClinVar variation 1013243 (VCV001013243.42), dbSNP rs201357151, ClinGen allele CA957177.